The following is an entry in ClinVar:

NM_001048174.2(MUTYH):c.836G>A (p.Arg279Gln)

Gene: MUTYH (mutY DNA glycosylase; minus strand). Cytogenetic location: 1p34.1.
Variant type: single nucleotide variant.
Coding change: c.836G>A on transcript NM_001048174.2 (MANE Select); coding-DNA position 836, G replaced by A.
Protein change: p.Arg279Gln; replaces arginine 279 with glutamine.
Molecular consequence: missense variant. On other transcripts: non-coding transcript variant (2).
Genome position (GRCh38, 1-based): chr1:45,332,179, C>T on the plus strand (G>A on the coding strand, the complement: MUTYH is on the minus strand). VCF-style: chr1-45332179-C-T. GRCh37 (hg19) VCF-style: chr1-45797851-C-T.
Other names: c.836G>A, p.Arg279Gln (NM_001048171.2, NM_001048173.2, NM_001293195.2); c.839G>A, p.Arg280Gln (NM_001048172.2); c.920G>A, p.Arg307Gln (NM_001128425.2); c.881G>A, p.Arg294Gln (NM_001293190.2); c.869G>A, p.Arg290Gln (NM_001293191.2); c.560G>A, p.Arg187Gln (NM_001293192.2, NM_001293196.2); c.491G>A, p.Arg164Gln (NM_001350650.2, NM_001350651.2); c.911G>A, p.Arg304Gln (NM_012222.3); short protein forms R307Q, R164Q, R187Q, R280Q, R294Q, R304Q, R279Q, R290Q.
Identifiers: ClinVar variation 141135 (VCV000141135.37), dbSNP rs140156029, ClinGen allele CA014631.

ClinVar aggregate classification (germline): Conflicting classifications of pathogenicity. Review status: criteria provided, conflicting classifications (1 of 4 stars). 11 submissions from 11 submitters: Uncertain significance (8); Likely benign (3). Last evaluated 2026-09-05.

Conditions:
MUTYH-related disorder. Also called: MUTYH-related condition; MUTYH-related disorders.
Hereditary cancer-predisposing syndrome. Also called: Tumor predisposition; Neoplastic Syndromes, Hereditary; Hereditary neoplastic syndrome; Hereditary Cancer Syndrome. Identifiers: Orphanet 140162, MedGen C0027672, MeSH D009386, MONDO:0015356.
Familial adenomatous polyposis 2. Also called: MYH-associated polyposis; COLORECTAL ADENOMATOUS POLYPOSIS, AUTOSOMAL RECESSIVE; ADENOMAS, MULTIPLE COLORECTAL, AUTOSOMAL RECESSIVE; FAP type 2; MUTYH-related attenuated familial adenomatous polyposis; MUTYH-associated polyposis. Identifiers: Orphanet 220460, Orphanet 247798, MedGen C3272841, MONDO:0012041, OMIM 608456.

Allele frequency attached by ClinVar (database versions not stated): ExAC 0.00007; TOPMed 0.00007; ESP Exome Variant Server 0.00008; gnomAD exomes 0.00008; gnomAD 0.00009; 1000 Genomes Project 30x 0.00016; 1000 Genomes Project 0.00020.

Submissions (11):

PreventionGenetics, part of Exact Sciences
Classification: Uncertain significance for MUTYH-related condition. Last evaluated: 2026-09-05. Review status: criteria provided, single submitter. Criteria: ACMG Guidelines, 2015. Collection method: clinical testing. Allele origin: germline.
Comment: The MUTYH c.920G>A variant is predicted to result in the amino acid substitution p.Arg307Gln. This variant was reported as a variant of uncertain significance in a patient with breast cancer (Supplementary Table 2, Tung et al. 2014. PubMed ID: 25186627) and in a patient with an unspecified cancer type (e-Table, Mandelker et al. 2017. PubMed ID: 28873162).  This variant is reported in 0.024% of alleles in individuals of African descent in gnomAD and has conflicting interpretations regarding its pathogenicity in ClinVar, ranging from uncertain significance to likely benign (Variation ID: 141135). At this time, the clinical significance of this variant is uncertain due to the absence of conclusive functional and genetic evidence.

Women's Health and Genetics/Laboratory Corporation of America, LabCorp
Classification: Uncertain significance. Last evaluated: 2026-06-16. Review status: criteria provided, single submitter. Criteria: LabCorp Variant Classification Summary - May 2015. Collection method: clinical testing. Allele origin: germline.
Comment: Variant summary: MUTYH c.920G>A (p.Arg307Gln) results in a conservative amino acid change in the encoded protein sequence. Algorithms developed to predict the effect of missense changes on protein structure and function are either unavailable or do not agree on the potential impact of this missense change. The variant allele was found at a frequency of 7.6e-05 in 251290 control chromosomes. This frequency is not significantly higher than estimated for disease-causing variants in MUTYH, allowing no conclusion about variant significance. c.920G>A has been observed in settings of multigene panel testing in individuals affected with breast cancer/unspecified advanced cancer without strong evidence of causality (Mandelker_2017, Tung_2015). These report(s) do not provide unequivocal conclusions about association of the variant with MUTYH-Associated Polyposis. A co-occurrence with a pathogenic variant has been observed at our laboratory (BRCA1 c.2457delC, p.Asp821fsX25; Internal testing). To our knowledge, no experimental evidence demonstrating an impact on protein function has been reported. The following publications have been ascertained in the context of this evaluation (PMID: 28944238, 28873162, 25186627). ClinVar contains an entry for this variant (Variation ID: 141135). Based on the evidence outlined above, the variant was classified as uncertain significance.

Labcorp Genetics (formerly Invitae), Labcorp
Classification: Uncertain significance for Familial adenomatous polyposis 2. Last evaluated: 2026-01-27. Review status: criteria provided, single submitter. Criteria: Invitae Variant Classification Sherloc (09022015). Collection method: clinical testing. Allele origin: germline.
Comment: This sequence change replaces arginine, which is basic and polar, with glutamine, which is neutral and polar, at codon 307 of the MUTYH protein (p.Arg307Gln). This variant is present in population databases (rs140156029, gnomAD 0.02%). This missense change has been observed in individual(s) with breast cancer or an unspecified cancer (PMID: 25186627, 28873162). ClinVar contains an entry for this variant (Variation ID: 141135). An algorithm developed to predict the effect of missense changes on protein structure and function outputs the following: PolyPhen-2: "Benign". The glutamine amino acid residue is found in multiple mammalian species, which suggests that this missense change does not adversely affect protein function. RNA analysis performed to evaluate the impact of this missense change on mRNA splicing indicates it does not significantly alter splicing (internal data). In summary, the available evidence is currently insufficient to determine the role of this variant in disease. Therefore, it has been classified as a Variant of Uncertain Significance.

Quest Diagnostics Nichols Institute San Juan Capistrano
Classification: Uncertain significance. Last evaluated: 2025-05-05. Review status: criteria provided, single submitter. Criteria: Quest Diagnostics criteria. Collection method: clinical testing. Allele origin: unknown.
Comment: The MUTYH c.920G>A (p.Arg307Gln) variant has been reported in the published literature in individuals with colorectal cancer (PMID: 29212164 (2017), 30267214 (2018), 28944238 (2017)), breast cancer (PMID: 25186627 (2015), 33471991 (2021), see also LOVD) or an unspecified cancer (PMID: 28873162 (2017)). This variant has also been reported in reportedly unaffected individuals (PMID: 29641532 (2018), 33471991 (2021), see also LOVD). The frequency of this variant in the general population (Genome Aggregation Database) is uninformative in the assessment of its pathogenicity. Analysis of this variant using bioinformatics tools for the prediction of the effect of amino acid changes on protein structure and function yielded predictions that this variant is benign. Based on the available information, we are unable to determine the clinical significance of this variant.

Blueprint Genetics
Classification: Likely benign. Last evaluated: 2024-10-22. Review status: criteria provided, single submitter. Criteria: ACMG Guidelines, 2015. Collection method: clinical testing. Allele origin: germline.

Color Diagnostics, LLC DBA Color Health
Classification: Likely benign for Hereditary cancer-predisposing syndrome. Last evaluated: 2024-09-19. Review status: criteria provided, single submitter. Criteria: ACMG Guidelines, 2015. Collection method: clinical testing. Allele origin: germline.

Baylor Genetics
Classification: Uncertain significance for Familial adenomatous polyposis 2. Last evaluated: 2024-03-05. Review status: criteria provided, single submitter. Criteria: ACMG Guidelines, 2015. Collection method: clinical testing. Allele origin: unknown.

St. Jude Molecular Pathology, St. Jude Children's Research Hospital
Classification: Uncertain significance for Familial adenomatous polyposis 2. Last evaluated: 2023-10-18. Review status: criteria provided, single submitter. Criteria: St. Jude Assertion Criteria 2020. Collection method: clinical testing. Allele origin: germline.
Comment: The MUTYH c.920G>A (p.Arg307Gln) missense change has a maximum subpopulation frequency of 0.024% in gnomAD v2.1.1. The in silico tool REVEL predicts a benign effect on protein function, but to our knowledge this prediction has not been confirmed by functional studies. To our knowledge, this variant has not been reported in individuals with MUTYH-associated polyposis. In summary, the evidence currently available is insufficient to determine the clinical significance of this variant. It has therefore been classified as of uncertain significance.

GeneDx
Classification: Uncertain significance. Last evaluated: 2022-03-24. Review status: criteria provided, single submitter. Criteria: GeneDx Variant Classification Process June 2021. Collection method: clinical testing. Allele origin: germline. Affected: yes.
Comment: In silico analysis, which includes protein predictors and evolutionary conservation, supports that this variant does not alter protein structure/function; In silico analysis, which includes splice predictors and evolutionary conservation, suggests this variant may impact gene splicing. In the absence of RNA/functional studies, the actual effect of this sequence change is unknown.; Observed in individuals with breast cancer and advanced cancer of unspecified type (Tung 2015, Mandelker 2017); This variant is associated with the following publications: (PMID: 28944238, 11092888, 11160897, 16879101, 20816984, 28873162, 25186627)

Sema4
Classification: Uncertain significance for Hereditary cancer-predisposing syndrome. Last evaluated: 2021-09-03. Review status: criteria provided, single submitter. Criteria: Sema4 Curation Guidelines. Collection method: curation. Allele origin: germline.
Comment: The MUTYH c.920G>A (p.R307Q) variant has been reported in individuals with breast cancer and advanced cancer as well as in controls (PMID: 25186627, 28873162, 33471991). It was observed in 6/24920 chromosomes of the African/African American subpopulation in the large and broad cohorts of the Genome Aggregation Database (PMID: 32461654). The variant has been reported in ClinVar (Variation ID: 141135). Functional studies have not been performed, and in silico predictions of the variant's effect on protein function are inconclusive. The evidence is insufficient to meet ACMG/AMP criteria for classifying the variant as benign or pathogenic. Thus, the clinical significance of this variant is currently uncertain.

Ambry Genetics
Classification: Likely benign for Hereditary cancer-predisposing syndrome. Last evaluated: 2021-05-27. Review status: criteria provided, single submitter. Criteria: Ambry Variant Classification Scheme 2023. Collection method: clinical testing. Allele origin: germline.

Literature cited by the submitters: PubMed 25186627 (cited by 5 submitters); PubMed 28873162 (cited by 4 submitters); PubMed 28944238 (cited by Women's Health and Genetics/Laboratory Corporation of America, LabCorp and Quest Diagnostics Nichols Institute San Juan Capistrano); PubMed 30267214 (cited by Quest Diagnostics Nichols Institute San Juan Capistrano and Ambry Genetics); PubMed 29641532 (cited by Quest Diagnostics Nichols Institute San Juan Capistrano and Ambry Genetics); PubMed 35273153 (cited by Quest Diagnostics Nichols Institute San Juan Capistrano); PubMed 29212164 (cited by Quest Diagnostics Nichols Institute San Juan Capistrano); PubMed 33471991 (cited by Sema4 and Ambry Genetics).